The following is an entry in ClinVar:

ClinVar aggregate classification (germline): Uncertain significance (1 of 4 stars; one submission).

gnomAD v4.1: 1 of 1,613,816 alleles (0.000062%); highest among the groups gnomAD compares: African/African-American, 0.0013%; no homozygotes.

Submission:

GeneDx
Classification: Uncertain significance. Last evaluated: 2025-09-16. Review status: criteria provided, single submitter. Criteria: GeneDx Variant Classification Process June 2021. Collection method: clinical testing. Allele origin: germline. Affected: yes.
Comment: Not observed at significant frequency in large population cohorts (gnomAD); In silico analysis supports that this missense variant has a deleterious effect on protein structure/function; Has not been previously published as pathogenic or benign to our knowledge; Reported using an alternate transcript of the gene

NM_006372.5(SYNCRIP):c.1673G>A (p.Gly558Asp)

Gene: SYNCRIP (synaptotagmin binding cytoplasmic RNA interacting protein; minus strand). Cytogenetic location: 6q14.3.
Variant type: single nucleotide variant.
Coding change: c.1673G>A on transcript NM_006372.5 (MANE Select); coding-DNA position 1673, G replaced by A.
Protein change: p.Gly558Asp; replaces glycine 558 with aspartic acid.
Molecular consequence: missense variant. On other transcripts: intron variant (6).
Genome position (GRCh38, 1-based): chr6:85,614,955, C>T on the plus strand (G>A on the coding strand, the complement: SYNCRIP is on the minus strand). VCF-style: chr6-85614955-C-T. GRCh37 (hg19) VCF-style: chr6-86324673-C-T.
Other names: c.1568G>A, p.Gly523Asp (NM_001159675.2); c.1379G>A, p.Gly460Asp (NM_001410938.1, NM_001439159.1); c.1673G>A, p.Gly558Asp (NM_001439158.1, NM_001439161.1, NM_001439162.1); c.1647+26G>A (NM_001439160.1, NM_001159676.2, NM_001159677.2); c.1191+26G>A (NM_001253771.2); c.1353+26G>A (NM_001159673.2); c.1542+26G>A (NM_001159674.2); short protein forms G460D, G523D, G558D.
Identifiers: ClinVar variation 4813370 (VCV004813370.1).
Genomic context (GRCh38, chr6:85,614,955, plus strand): 5'-CGCCGCTTGGAATCTGGCTGGTTGTACCCATCAGCTTTGCGCTTTCCTCCTACATTTCCA[C>T]CGCGGCCACCCCTCGCACCACGTACCCCGCGGCCTCTTTGTTGTTGGGCACCTCCTCTCG-3'
Protein context (NP_006363.4, residues 548-568): RGVRGARGGR[Gly558Asp]GNVGGKRKAD